The following is an entry in ClinVar:

NM_013432.5(TONSL):c.2247C>T (p.Ser749=)

Genes: TONSL-AS1 (TONSL antisense RNA 1; plus strand), TONSL (tonsoku like, DNA repair protein; minus strand). Cytogenetic location: 8q24.3.
Variant type: single nucleotide variant.
Coding change: c.2247C>T on transcript NM_013432.5 (MANE Select); coding-DNA position 2247, C replaced by T.
Protein change: p.Ser749=; no amino-acid change (serine 749 retained).
Molecular consequence: synonymous variant.
Genome position (GRCh38, 1-based): chr8:144,436,186, G>A on the plus strand (C>T on the coding strand, the complement: TONSL is on the minus strand). VCF-style: chr8-144436186-G-A. GRCh37 (hg19) VCF-style: chr8-145661569-G-A.
Identifiers: ClinVar variation 1158080 (VCV001158080.28), dbSNP rs140799312, ClinGen allele CA4942883.

ClinVar aggregate classification (germline): Likely benign. Review status: criteria provided, multiple submitters, no conflicts (2 of 4 stars). 3 submissions from 3 submitters: Likely benign (3). Last evaluated 2025-10-29.

Allele frequency attached by ClinVar (database versions not stated): gnomAD 0.00021 and 0.00023; gnomAD exomes 0.00027 and 0.00021; TOPMed 0.00028; 1000 Genomes Project 30x 0.00031; ExAC 0.00032; ESP Exome Variant Server 0.00039; 1000 Genomes Project 0.00040.
gnomAD v4.1: 341 of 1,573,970 alleles (0.022%); highest among the groups gnomAD compares: Middle Eastern, 0.084%; no homozygotes.

Submissions (3):

Labcorp Genetics (formerly Invitae), Labcorp
Classification: Likely benign. Last evaluated: 2025-10-29. Review status: criteria provided, single submitter. Criteria: Invitae Variant Classification Sherloc (09022015). Collection method: clinical testing. Allele origin: germline.

Blueprint Genetics
Classification: Likely benign. Last evaluated: 2024-11-27. Review status: criteria provided, single submitter. Criteria: ACMG Guidelines, 2015. Collection method: clinical testing. Allele origin: germline.

CeGaT Center for Human Genetics Tuebingen
Classification: Likely benign. Last evaluated: 2024-04-01. Review status: criteria provided, single submitter. Criteria: CeGaT Center For Human Genetics Tuebingen Variant Classification Criteria Version 2. Collection method: clinical testing. Allele origin: germline. Affected: yes. Observed: 2 variant alleles.
Comment: TONSL: BP4, BP7